The following is an entry in ClinVar:

ClinVar aggregate classification (germline): Uncertain significance (0 of 4 stars; one submission).

Conditions:
Polycystic kidney disease. Also called: Polycystic kidney dysplasia; Kidney, Polycystic. Identifiers: MedGen C0022680, MeSH D007690, MONDO:0020642, HP:0000113.

Allele frequency attached by ClinVar (database versions not stated): ExAC 0.00001; gnomAD exomes 0.00002 and 0.00007; gnomAD 0.00003 and 0.00004; TOPMed 0.00007.
gnomAD v4.1: 114 of 1,608,442 alleles (0.0071%); highest among the groups gnomAD compares: Non-Finnish European, 0.0087%; no homozygotes.

Submission:

Department of Pathology and Laboratory Medicine, Sinai Health System
Classification: Uncertain significance for Polycystic Kidney disease. Review status: no assertion criteria provided. Collection method: clinical testing. Allele origin: unknown. Affected: yes. Study: The Canadian Open Genetics Repository (COGR).
Comment: The PKD1 c.9398-8C>T variant was not identified in the literature nor was it identified in the ClinVar, GeneInsight-COGR, LOVD 3.0, ADPKD Mutation Database, PKD1-LOVD, databases. The variant was identified in dbSNP (ID: rs781378410) as â€šÃ„ÃºNAâ€šÃ„Ã¹. The variant was also identified in control databases in 7 of 272042 chromosomes at a frequency of 0.00003 (Genome Aggregation Database Feb 27, 2017). It was observed in the following populations: African in 2 of 23428 chromosomes (freq: 0.0001), European in 5 of 123570 chromosomes (freq: 0.00004), while the variant was not observed in the Other, Latino, Ashkenazi Jewish, East Asian, Finnish, and South Asian populations. In addition we cannot be certain that data from control databases is specific to PKD1 and not from one of the six PKD1 pseudogenes. The c.9398-8C>T variant is located in the 3' splice region but does not affect the invariant -1 and -2 positions. However, positions -3 and -5 to -12 are part of the splicing consensus sequence and variants involving these positions sometimes affect splicing. However, in silico or computational prediction software programs (SpliceSiteFinder, MaxEntScan, NNSPLICE, GeneSplicer, HumanSpliceFinder) do not predict a difference in splicing. In summary, based on the above information the clinical significance of this variant cannot be determined with certainty at this time. This variant is classified as a variant of uncertain significance.

NM_001009944.3(PKD1):c.9398-8C>T

Gene: PKD1 (polycystin 1, transient receptor potential channel interacting; minus strand). Cytogenetic location: 16p13.3.
Variant type: single nucleotide variant.
Coding change: c.9398-8C>T on transcript NM_001009944.3 (MANE Select); 8 bases into the intron before coding-DNA position 9398, C replaced by T.
Molecular consequence: intron variant.
Genome position (GRCh38, 1-based): chr16:2,100,574, G>A on the plus strand (C>T on the coding strand, the complement: PKD1 is on the minus strand). VCF-style: chr16-2100574-G-A. GRCh37 (hg19) VCF-style: chr16-2150575-G-A.
Other names: c.9398-8C>T (NM_000296.4).
Identifiers: ClinVar variation 997361 (VCV000997361.1), dbSNP rs781378410, ClinGen allele CA7830100.